The following is an entry in ClinVar:

NM_201384.3(PLEC):c.6062C>T (p.Ala2021Val)

Gene: PLEC (plectin; minus strand). Cytogenetic location: 8q24.3.
Variant type: single nucleotide variant.
Coding change: c.6062C>T on transcript NM_201384.3 (MANE Select); coding-DNA position 6062, C replaced by T.
Protein change: p.Ala2021Val; replaces alanine 2021 with valine.
Molecular consequence: missense variant.
Genome position (GRCh38, 1-based): chr8:143,923,867, G>A on the plus strand (C>T on the coding strand, the complement: PLEC is on the minus strand). VCF-style: chr8-143923867-G-A. GRCh37 (hg19) VCF-style: chr8-144998035-G-A.
Other names: c.6143C>T, p.Ala2048Val (NM_000445.5); c.6020C>T, p.Ala2007Val (NM_201378.4); c.5996C>T, p.Ala1999Val (NM_201379.3); c.6473C>T, p.Ala2158Val (NM_201380.4); c.5966C>T, p.Ala1989Val (NM_201381.3); c.6062C>T, p.Ala2021Val (NM_201382.4); c.6074C>T, p.Ala2025Val (NM_201383.3); short protein forms A2021V, A2025V, A2158V, A1989V, A1999V, A2007V, A2048V.
Identifiers: ClinVar variation 592863 (VCV000592863.44), dbSNP rs367715805, ClinGen allele CA4926124.
Genomic context (GRCh38, chr8:143,923,867, plus strand): 5'-TCCTGGGCCAGCTGCAGCTGCCGCGCCGACTCCTGCTCCGCTCGCTCCCGCAGGCGCCGC[G>A]CCTCCTCCACCTTGGCTTTCAGCCGCTCGACTTCCTCCAGCGCCGCCTTCCGCTGCCGTG-3'
Protein context (NP_958786.1, residues 2011-2031): VERLKAKVEE[Ala2021Val]RRLRERAEQE

ClinVar aggregate classification (germline): Conflicting classifications of pathogenicity. Review status: criteria provided, conflicting classifications (1 of 4 stars). 7 submissions from 7 submitters: Uncertain significance (4); Likely benign (2). 1 of the submissions does not count toward it. Last evaluated 2025-12-22.

Conditions:
PLEC-related disorder. Also called: PLEC-related disorders; PLEC-related condition.
Epidermolysis bullosa simplex with nail dystrophy (EBS5D). Identifiers: MedGen C4225309, MONDO:0014661, OMIM 616487.
Epidermolysis bullosa simplex, Ogna type (EBS5A). Also called: Pidermolysis bullosa simplex 5A, Ogna type; EPIDERMOLYSIS BULLOSA SIMPLEX 5A, OGNA TYPE. Identifiers: Orphanet 79401, MedGen C0432317, MONDO:0007555, OMIM 131950.
Epidermolysis bullosa simplex 5C, with pyloric atresia (EBS5C). Also called: PLEC1-Related Epidermolysis Bullosa with Pyloric Atresia; PLEC-Related Epidermolysis Bullosa with Pyloric Atresia; Epidermolysis bullosa simplex with pyloric atresia. Identifiers: Orphanet 158684, MedGen C2677349, MONDO:0012807, OMIM 612138.
Epidermolysis bullosa simplex 5B, with muscular dystrophy (EBS5B). Also called: Epidermolysis bullosa simplex with muscular dystrophy; EPIDERMOLYSIS BULLOSA SIMPLEX AND LIMB-GIRDLE MUSCULAR DYSTROPHY. Identifiers: Orphanet 257, MedGen C2931072, MONDO:0009181, OMIM 226670.
Autosomal recessive limb-girdle muscular dystrophy type 2Q (LGMDR17). Also called: MUSCULAR DYSTROPHY, LIMB-GIRDLE, AUTOSOMAL RECESSIVE 17. Identifiers: Orphanet 254361, MedGen C3150989, MONDO:0013390, OMIM 613723.

Allele frequency attached by ClinVar (database versions not stated): ESP Exome Variant Server 0.00009; TOPMed 0.00012; gnomAD exomes 0.00017 and 0.00031; 1000 Genomes Project 0.00020; gnomAD 0.00028 and 0.00029; ExAC 0.00039; 1000 Genomes Project 30x 0.00047.
gnomAD v4.1: 292 of 1,592,884 alleles (0.018%); highest among the groups gnomAD compares: Middle Eastern, 0.051%; 2 homozygotes.

Submissions (8):

Labcorp Genetics (formerly Invitae), Labcorp
Classification: Likely benign for Autosomal recessive limb-girdle muscular dystrophy type 2Q; Epidermolysis bullosa simplex, Ogna type; Epidermolysis bullosa simplex with nail dystrophy; Epidermolysis bullosa simplex 5C, with pyloric atresia; Epidermolysis bullosa simplex 5B, with muscular dystrophy. Last evaluated: 2025-12-22. Review status: criteria provided, single submitter. Criteria: Invitae Variant Classification Sherloc (09022015). Collection method: clinical testing. Allele origin: germline.

Athena Diagnostics
Classification: Likely benign. Last evaluated: 2024-03-28. Review status: criteria provided, single submitter. Criteria: Athena Diagnostics Criteria. Collection method: clinical testing. Allele origin: unknown.

CeGaT Center for Human Genetics Tuebingen
Classification: Uncertain significance. Last evaluated: 2023-03-01. Review status: criteria provided, single submitter. Criteria: CeGaT Center For Human Genetics Tuebingen Variant Classification Criteria Version 2. Collection method: clinical testing. Allele origin: germline. Affected: yes. Observed: 1 variant allele.
Comment: PLEC: PM2

GeneDx
Classification: Uncertain significance. Last evaluated: 2022-05-12. Review status: criteria provided, single submitter. Criteria: GeneDx Variant Classification Process June 2021. Collection method: clinical testing. Allele origin: germline. Affected: yes.
Comment: Identified with a second PLEC variant in an individual with left ventricle hypertrabeculation who was also heterozygous for a variant in PRDM16; however, clinical and segregation information was not provided (Miszalski-Jamka et al., 2017); In silico analysis supports that this missense variant does not alter protein structure/function; This variant is associated with the following publications: (PMID: 28798025)

Revvity Omics, Revvity
Classification: Uncertain significance. Last evaluated: 2021-09-07. Review status: criteria provided, single submitter. Criteria: ACMG Guidelines, 2015. Collection method: clinical testing. Allele origin: germline.

Eurofins Ntd Llc (ga)
Classification: Uncertain significance. Last evaluated: 2017-08-22. Review status: criteria provided, single submitter. Criteria: EGL Classification Definitions 2015. Collection method: clinical testing. Allele origin: germline. Observed: 1 variant allele, 1 heterozygote.

PreventionGenetics, part of Exact Sciences
Classification: Likely benign for PLEC-related condition. Last evaluated: 2023-12-12. Review status: no assertion criteria provided. Collection method: clinical testing. Allele origin: germline. Not counted in ClinVar's aggregate classification.
Comment: This variant is classified as likely benign based on ACMG/AMP sequence variant interpretation guidelines (Richards et al. 2015 PMID: 25741868, with internal and published modifications).

Dr. Peter K. Rogan Lab, Western University
No classification provided (evidence only). Condition: Gastric cancer. Review status: no classification provided. Collection method: in vitro. Allele origin: not applicable. Functional consequence: retained intron. Not counted in ClinVar's aggregate classification.

Literature cited by the submitters: PubMed 30161220 (cited by Athena Diagnostics).